The following is an entry in ClinVar:

NM_004820.5(CYP7B1):c.970C>G (p.Arg324Gly)

Gene: CYP7B1 (cytochrome P450 family 7 subfamily B member 1; minus strand). Cytogenetic location: 8q12.3.
Variant type: single nucleotide variant.
Coding change: c.970C>G on transcript NM_004820.5 (MANE Select); coding-DNA position 970, C replaced by G.
Protein change: p.Arg324Gly; replaces arginine 324 with glycine.
Molecular consequence: missense variant.
Genome position (GRCh38, 1-based): chr8:64,615,113, G>C on the plus strand (C>G on the coding strand, the complement: CYP7B1 is on the minus strand). VCF-style: chr8-64615113-G-C. GRCh37 (hg19) VCF-style: chr8-65527670-G-C.
Other names: c.970C>G, p.Arg324Gly (NM_001324112.2); short protein forms R324G.
Identifiers: ClinVar variation 497804 (VCV000497804.6), dbSNP rs773055558, ClinGen allele CA371334560.

ClinVar aggregate classification (germline): Uncertain significance. Review status: criteria provided, multiple submitters, no conflicts (2 of 4 stars). 2 submissions from 2 submitters: Uncertain significance (2). Last evaluated 2022-04-07.

Conditions:
Spastic paraplegia. Identifiers: MedGen C0037772, HP:0001258.

gnomAD v4.1: 3 of 1,613,510 alleles (0.00019%); highest among the groups gnomAD compares: Non-Finnish European, 0.00017%; no homozygotes.

Submissions (2):

Labcorp Genetics (formerly Invitae), Labcorp
Classification: Uncertain significance for Spastic paraplegia. Last evaluated: 2022-04-07. Review status: criteria provided, single submitter. Criteria: Invitae Variant Classification Sherloc (09022015). Collection method: clinical testing. Allele origin: germline.
Comment: This sequence change replaces arginine, which is basic and polar, with glycine, which is neutral and non-polar, at codon 324 of the CYP7B1 protein (p.Arg324Gly). This variant is not present in population databases (gnomAD no frequency). This variant has not been reported in the literature in individuals affected with CYP7B1-related conditions. ClinVar contains an entry for this variant (Variation ID: 497804). Algorithms developed to predict the effect of missense changes on protein structure and function (SIFT, PolyPhen-2, Align-GVGD) all suggest that this variant is likely to be tolerated. In summary, the available evidence is currently insufficient to determine the role of this variant in disease. Therefore, it has been classified as a Variant of Uncertain Significance.

Eurofins Ntd Llc (ga)
Classification: Uncertain significance. Last evaluated: 2016-10-05. Review status: criteria provided, single submitter. Criteria: EGL Classification Definitions 2015. Collection method: clinical testing. Allele origin: germline. Observed: 1 variant allele, 1 heterozygote.